The following is an entry in ClinVar:

ClinVar aggregate classification (germline): Uncertain significance (1 of 4 stars; one submission).

Conditions:
Familial encephalopathy with neuroserpin inclusion bodies. Also called: ENCEPHALOPATHY, FAMILIAL, WITH COLLINS BODIES. Identifiers: Orphanet 85110, MedGen C1858680, MONDO:0011412, OMIM 604218.

Submission:

Labcorp Genetics (formerly Invitae), Labcorp
Classification: Uncertain significance for Familial encephalopathy with neuroserpin inclusion bodies. Last evaluated: 2025-12-13. Review status: criteria provided, single submitter. Criteria: Invitae Variant Classification Sherloc (09022015). Collection method: clinical testing. Allele origin: germline.
Comment: This sequence change creates a premature translational stop signal (p.Val256Glyfs*17) in the SERPINI1 gene. It is expected to result in an absent or disrupted protein product. However, the current clinical and genetic evidence is not sufficient to establish whether loss-of-function variants in SERPINI1 cause disease. This variant is not present in population databases (gnomAD no frequency). This variant has not been reported in the literature in individuals affected with SERPINI1-related conditions. In summary, the available evidence is currently insufficient to determine the role of this variant in disease. Therefore, it has been classified as a Variant of Uncertain Significance.

NM_001122752.2(SERPINI1):c.762_766dup (p.Val256fs)

Gene: SERPINI1 (serpin family I member 1; plus strand). Cytogenetic location: 3q26.1.
Variant type: Duplication.
Coding change: c.762_766dup on transcript NM_001122752.2 (MANE Select); coding-DNA positions 762 to 766, 5 bases duplicated (GCTGG; older notation c.762_766dupGCTGG).
Protein change: p.Val256fs; shifts the reading frame from valine 256.
Molecular consequence: frameshift variant.
Genome position (GRCh38, 1-based): chr3:167,794,705-167,794,709, GCTGG duplicated. VCF-style (leftmost placement, unchanged base first): chr3-167794704-T-TGCTGG. GRCh37 (hg19) VCF-style: chr3-167512492-T-TGCTGG.
Other names: c.762_766dup, p.Val256fs (NM_005025.5); short protein forms V256fs.
Identifiers: ClinVar variation 4733086 (VCV004733086.1).
Genomic context (GRCh38, chr3:167,794,704, plus strand): 5'-AAGCTGGTGGTATCTACCAAGTCCTAGAAATACCATATGAAGGAGATGAAATAAGCATGA[T>TGCTGG]GCTGGTGCTGTCCAGACAGGAAGTTCCTCTTGCTACTCTGGAGCCATTAGTCAAAGCACA-3'